The following is an entry in ClinVar:

ClinVar aggregate classification (germline): Benign. Review status: reviewed by expert panel (3 of 4 stars). 13 submissions from 13 submitters: Benign (1). 12 of the submissions do not count toward it. Last evaluated 2022-09-22.

Conditions:
Very long chain acyl-CoA dehydrogenase deficiency (ACADVLD). Also called: Very Long-Chain Acyl-Coenzyme A Dehydrogenase Deficiency; VLCAD Deficiency. Identifiers: Orphanet 26793, MedGen C3887523, MONDO:0008723, OMIM 201475.

Allele frequency attached by ClinVar (database versions not stated): ESP Exome Variant Server 0.01135; gnomAD exomes 0.01386 and 0.03615; gnomAD 0.02763 and 0.02945; ExAC 0.03278; TOPMed 0.03361; 1000 Genomes Project 30x 0.05949; 1000 Genomes Project 0.06070.

Submissions (13):

ClinGen ACADVL Variant Curation Expert Panel, ClinGen
Classification: Benign for Very long chain acyl-CoA dehydrogenase deficiency. Last evaluated: 2022-09-22. Review status: reviewed by expert panel. Criteria: clingen acadvl acmg specifications v1. Collection method: curation. Allele origin: germline. Inheritance: Autosomal recessive inheritance.
Comment: The c.128G>A variant in ACADVL is well characterized as a benign polymorphism, being present in several VLCAD cases with alternate pathogenic variants (BP2; PMIDs: 11914034, 15210884, more in literature). The highest population minor allele frequency in gnomAD v2.1.1 is 0.17 in the East Asian population, which is higher than the ClinGen ACADVL Variant Curation Expert Panel threshold (≥0.007) for BA1, and therefore meets this criterion (BA1). The computational predictor REVEL gives a score of 0.259, which is below the threshold of 0.5, evidence that does not predict a damaging effect on ACADVL function (BP4). In summary, this variant meets criteria to be classified as benign for very long chain acyl-CoA dehydrogenase deficiency in an autosomal recessive manner. ACADVL-specific ACMG/AMP criteria applied: BA1; BP2; BP4

Labcorp Genetics (formerly Invitae), Labcorp
Classification: Benign for Very long chain acyl-CoA dehydrogenase deficiency. Last evaluated: 2026-02-04. Review status: criteria provided, single submitter. Criteria: Invitae Variant Classification Sherloc (09022015). Collection method: clinical testing. Allele origin: germline. Not counted in ClinVar's aggregate classification.

ARUP Laboratories, Molecular Genetics and Genomics, ARUP Laboratories
Classification: Benign for Very long chain acyl-CoA dehydrogenase deficiency. Last evaluated: 2025-05-19. Review status: criteria provided, single submitter. Criteria: ARUP Molecular Germline Variant Investigation Process 2024. Collection method: clinical testing. Allele origin: germline. Not counted in ClinVar's aggregate classification.

Blueprint Genetics
Classification: Benign. Last evaluated: 2024-11-28. Review status: criteria provided, single submitter. Criteria: ACMG Guidelines, 2015. Collection method: clinical testing. Allele origin: germline. Not counted in ClinVar's aggregate classification.

Mayo Clinic Laboratories, Mayo Clinic
Classification: Benign. Last evaluated: 2022-04-26. Review status: criteria provided, single submitter. Criteria: ACMG Guidelines, 2015. Collection method: clinical testing. Allele origin: germline. Observed: 87 variant alleles. Not counted in ClinVar's aggregate classification.

Wong Mito Lab, Molecular and Human Genetics, Baylor College of Medicine
Classification: Benign for Very long chain acyl-CoA dehydrogenase deficiency. Last evaluated: 2019-11-01. Review status: criteria provided, single submitter. Criteria: ACMG Guidelines, 2015. Collection method: clinical testing. Allele origin: germline. Not counted in ClinVar's aggregate classification.
Comment: The NM_000018.3:c.128G>A (NP_000009.1:p.Gly43Asp) [GRCH38: NC_000017.11:g.7220187G>A] variant in ACADVL gene is interpretated to be Benign based on ACMG guidelines (PMID: 25741868). This variant has been reported. This variant meets the following evidence codes reported in the ACMG guidelines: BS1, BS2

Illumina Laboratory Services, Illumina
Classification: Benign for Very long chain acyl-CoA dehydrogenase deficiency. Last evaluated: 2018-01-13. Review status: criteria provided, single submitter. Criteria: ICSL Variant Classification Criteria 13 December 2019. Collection method: clinical testing. Allele origin: germline. Not counted in ClinVar's aggregate classification.
Comment: This variant was observed in the ICSL laboratory as part of a predisposition screen in an ostensibly healthy population. It had not been previously curated by ICSL or reported in the Human Gene Mutation Database (HGMD: prior to June 1st, 2018), and was therefore a candidate for classification through an automated scoring system. Utilizing variant allele frequency, disease prevalence and penetrance estimates, and inheritance mode, an automated score was calculated to assess if this variant is too frequent to cause the disease. Based on the score and internal cut-off values, a variant classified as benign is not then subjected to further curation. The score for this variant resulted in a classification of benign for this disease.

Phosphorus, Inc.
Classification: Benign for Very long chain acyl-CoA dehydrogenase deficiency. Last evaluated: 2017-08-01. Review status: criteria provided, single submitter. Criteria: ACMG Guidelines, 2015. Collection method: clinical testing. Allele origin: germline. Observed: 1 variant allele. Not counted in ClinVar's aggregate classification.

Eurofins Ntd Llc (ga)
Classification: Benign. Last evaluated: 2015-08-28. Review status: criteria provided, single submitter. Criteria: EGL Classification Definitions 2015. Collection method: clinical testing. Allele origin: germline. Observed: 4 variant alleles, 3 heterozygotes, 1 homozygote. Not counted in ClinVar's aggregate classification.

GeneDx
Classification: Benign. Last evaluated: 2015-03-03. Review status: criteria provided, single submitter. Criteria: GeneDx Variant Classification Process June 2021. Collection method: clinical testing. Allele origin: germline. Affected: yes. Not counted in ClinVar's aggregate classification.

Breakthrough Genomics
Classification: Benign. Review status: criteria provided, single submitter. Criteria: ACMG Guidelines, 2015. Collection method: not provided. Allele origin: germline. Inheritance: Autosomal recessive inheritance. Affected: yes. Not counted in ClinVar's aggregate classification.

PreventionGenetics, part of Exact Sciences
Classification: Benign. Review status: criteria provided, single submitter. Criteria: ACMG Guidelines, 2015. Collection method: clinical testing. Allele origin: germline. Not counted in ClinVar's aggregate classification.

Natera, Inc.
Classification: Benign for Very long chain acyl-CoA dehydrogenase deficiency. Last evaluated: 2020-09-16. Review status: no assertion criteria provided. Collection method: clinical testing. Allele origin: germline. Not counted in ClinVar's aggregate classification.

Literature cited by the submitters: PubMed 20301763 (cited by Phosphorus, Inc.).

NM_000018.4(ACADVL):c.128G>A (p.Gly43Asp)

Genes: ACADVL (acyl-CoA dehydrogenase very long chain; plus strand), LOC130060113 (ATAC-STARR-seq lymphoblastoid silent region 8088; plus strand). Cytogenetic location: 17p13.1.
Variant type: single nucleotide variant.
Coding change: c.128G>A on transcript NM_000018.4 (MANE Select); coding-DNA position 128, G replaced by A.
Protein change: p.Gly43Asp; replaces glycine 43 with aspartic acid.
Molecular consequence: missense variant. On other transcripts: 5 prime UTR variant (1).
Genome position (GRCh38, 1-based): chr17:7,220,187, G>A. VCF-style: chr17-7220187-G-A. GRCh37 (hg19) VCF-style: chr17-7123506-G-A.
Other names: NM_000018.4(ACADVL):c.128G>A; c.128G>A, p.Gly43Asp (NM_001033859.3); c.197G>A, p.Gly66Asp (NM_001270447.2); c.-101G>A (NM_001270448.2); short protein forms G43D, G66D.
Identifiers: ClinVar variation 21015 (VCV000021015.39), dbSNP rs2230178, ClinGen allele CA341517.
Genomic context (GRCh38, chr17:7,220,187, plus strand): 5'-GGCTCACGGCGCTCCTGGGGCAGCCCCGGCCCGGCCCTGCCCGGCGGCCCTATGCCGGGG[G>A]TGCCGCTCAGGTAAGTCACCGCAGCCTTGGCAAGGGGGTGTGGGAGCGGCGGTCCGCTTC-3'
Protein context (NP_000009.1, residues 33-53): PGPARRPYAG[Gly43Asp]AAQLALDKSD